The following is an entry in ClinVar:

ClinVar aggregate classification (germline): Uncertain significance (1 of 4 stars; one submission).

Submission:

GeneDx
Classification: Uncertain significance. Last evaluated: 2025-01-08. Review status: criteria provided, single submitter. Criteria: GeneDx Variant Classification Process June 2021. Collection method: clinical testing. Allele origin: germline. Affected: yes.
Comment: Not observed at significant frequency in large population cohorts (gnomAD); In silico analysis supports that this missense variant has a deleterious effect on protein structure/function; Has not been previously published as pathogenic or benign to our knowledge

NM_006186.4(NR4A2):c.1364C>G (p.Ser455Cys)

Gene: NR4A2 (nuclear receptor subfamily 4 group A member 2; minus strand). Cytogenetic location: 2q24.1.
Variant type: single nucleotide variant.
Coding change: c.1364C>G on transcript NM_006186.4 (MANE Select); coding-DNA position 1364, C replaced by G.
Protein change: p.Ser455Cys; replaces serine 455 with cysteine.
Molecular consequence: missense variant.
Genome position (GRCh38, 1-based): chr2:156,326,326, G>C on the plus strand (C>G on the coding strand, the complement: NR4A2 is on the minus strand). VCF-style: chr2-156326326-G-C. GRCh37 (hg19) VCF-style: chr2-157182838-G-C.
Other names: c.1175C>G, p.Ser392Cys (NM_173173.3); short protein forms S392C, S455C.
Identifiers: ClinVar variation 4057080 (VCV004057080.1).
Genomic context (GRCh38, chr2:156,326,326, plus strand): 5'-CATTGCAACCTGTGCAAGACCACCCCATTGCAAAAGATGAGTTTACCCTCCACTGGGTTG[G>C]ACCTGCAATTAATACCAAAGAGAGAGAGGGGAGAAAAAGAGAGAGAGAAAAGCTAAACAA-3'
Protein context (NP_006177.1, residues 445-465): ELFVLRLAYR[Ser455Cys]NPVEGKLIFC